The following is an entry in ClinVar:

NM_001197104.2(KMT2A):c.289T>C (p.Ser97Pro)

Gene: KMT2A (lysine methyltransferase 2A; plus strand). Cytogenetic location: 11q23.3.
Variant type: single nucleotide variant.
Coding change: c.289T>C on transcript NM_001197104.2 (MANE Select); coding-DNA position 289, T replaced by C.
Protein change: p.Ser97Pro; replaces serine 97 with proline.
Molecular consequence: missense variant.
Genome position (GRCh38, 1-based): chr11:118,436,801, T>C. VCF-style: chr11-118436801-T-C. GRCh37 (hg19) VCF-style: chr11-118307516-T-C.
Other names: c.289T>C, p.Ser97Pro (NM_001412597.1, NM_005933.4); short protein forms S97P.
Identifiers: ClinVar variation 2069976 (VCV002069976.4), dbSNP rs2497102271, ClinGen allele CA382798055.
Genomic context (GRCh38, chr11:118,436,801, plus strand): 5'-GGAGCGGCCGCCGCCTCAGCAGCCTCCTCGTCGTCCGCCTCGTCTTCGTCTTCGTCATCG[T>C]CCTCAGCCTCTTCAGGGCCGGCCCTGCTCCGGGTGGGCCCGGGCTTCGACGCGGCGCTGC-3'
Protein context (NP_001184033.1, residues 87-107): SSASSSSSSS[Ser97Pro]SASSGPALLR

ClinVar aggregate classification (germline): Uncertain significance (1 of 4 stars; one submission).

Submission:

Labcorp Genetics (formerly Invitae), Labcorp
Classification: Uncertain significance. Last evaluated: 2022-07-05. Review status: criteria provided, single submitter. Criteria: Invitae Variant Classification Sherloc (09022015). Collection method: clinical testing. Allele origin: germline.
Comment: Advanced modeling of protein sequence and biophysical properties (such as structural, functional, and spatial information, amino acid conservation, physicochemical variation, residue mobility, and thermodynamic stability) performed at Invitae indicates that this missense variant is not expected to disrupt KMT2A protein function. In summary, the available evidence is currently insufficient to determine the role of this variant in disease. Therefore, it has been classified as a Variant of Uncertain Significance. This sequence change replaces serine, which is neutral and polar, with proline, which is neutral and non-polar, at codon 97 of the KMT2A protein (p.Ser97Pro). This variant is not present in population databases (gnomAD no frequency). This variant has not been reported in the literature in individuals affected with KMT2A-related conditions.